The following is an entry in ClinVar:

NM_003919.3(SGCE):c.*101A>G

Genes: CASD1 (CAS1 domain sialic acid O acetyltransferase 1; plus strand), SGCE (sarcoglycan epsilon; minus strand). Cytogenetic location: 7q21.3.
Variant type: single nucleotide variant.
Coding change: c.*101A>G on transcript NM_003919.3 (MANE Select); 101 bases downstream of the stop codon, A replaced by G.
Molecular consequence: 3 prime UTR variant.
Genome position (GRCh38, 1-based): chr7:94,585,398, T>C on the plus strand (A>G on the coding strand, the complement: SGCE is on the minus strand). VCF-style: chr7-94585398-T-C. GRCh37 (hg19) VCF-style: chr7-94214710-T-C.
Other names: c.*67A>G (NM_001099400.2); c.*101A>G (NM_001099401.2, NM_001301139.2, NM_001346713.2 and 7 more transcripts).
Identifiers: ClinVar variation 360986 (VCV000360986.6), dbSNP rs193172306, ClinGen allele CA10624422.
Genomic context (GRCh38, chr7:94,585,398, plus strand): 5'-TAAAATGAAAGTTATGTTGTATTATTTGGTATACACTTAATACTGCCAACATGCATAACA[T>C]ATGCCAGAAAAGCTCATGCATTATTGGAAGAGAAAAGAAATGTGATGTAACTGCTATATT-3'

ClinVar aggregate classification (germline): Benign. Review status: criteria provided, multiple submitters, no conflicts (2 of 4 stars). 2 submissions from 2 submitters: Benign (2). Last evaluated 2018-01-13.

Conditions:
Myoclonic dystonia 11 (DYT11). Also called: Dystonia, alcohol responsive; Hereditary essential myoclonus; SGCE Myoclonus-Dystonia; Myoclonus-Dystonia; Myoclonic dystonia; Dystonia 11. Identifiers: Orphanet 36899, MedGen C1834570, MONDO:0008044, OMIM 159900.

Allele frequency attached by ClinVar (database versions not stated): 1000 Genomes Project 30x 0.00172; 1000 Genomes Project 0.00180; TOPMed 0.00548; gnomAD 0.00569 and 0.00600; gnomAD exomes 0.00773.
gnomAD v4.1: 7,566 of 1,027,846 alleles (0.74%); highest among the groups gnomAD compares: Non-Finnish European, 1%; 39 homozygotes.

Submissions (2):

Illumina Laboratory Services, Illumina
Classification: Benign for Myoclonic dystonia 11. Last evaluated: 2018-01-13. Review status: criteria provided, single submitter. Criteria: ICSL Variant Classification Criteria 13 December 2019. Collection method: clinical testing. Allele origin: germline.
Comment: This variant was observed in the ICSL laboratory as part of a predisposition screen in an ostensibly healthy population. It had not been previously curated by ICSL or reported in the Human Gene Mutation Database (HGMD: prior to June 1st, 2018), and was therefore a candidate for classification through an automated scoring system. Utilizing variant allele frequency, disease prevalence and penetrance estimates, and inheritance mode, an automated score was calculated to assess if this variant is too frequent to cause the disease. Based on the score and internal cut-off values, a variant classified as benign is not then subjected to further curation. The score for this variant resulted in a classification of benign for this disease.

Breakthrough Genomics
Classification: Benign. Review status: criteria provided, single submitter. Criteria: ACMG Guidelines, 2015. Collection method: not provided. Allele origin: germline. Inheritance: Autosomal dominant inheritance. Affected: yes.